The following is an entry in ClinVar:

ClinVar aggregate classification (germline): Uncertain significance (1 of 4 stars; one submission).

gnomAD v4.1: 1 of 1,613,848 alleles (0.000062%); highest among the groups gnomAD compares: Non-Finnish European, 0.000085%; no homozygotes.

Submission:

Labcorp Genetics (formerly Invitae), Labcorp
Classification: Uncertain significance. Last evaluated: 2025-08-23. Review status: criteria provided, single submitter. Criteria: Invitae Variant Classification Sherloc (09022015). Collection method: clinical testing. Allele origin: germline.
Comment: This sequence change replaces proline, which is neutral and non-polar, with arginine, which is basic and polar, at codon 328 of the IREB2 protein (p.Pro328Arg). This variant is not present in population databases (gnomAD no frequency). This variant has not been reported in the literature in individuals affected with IREB2-related conditions. An algorithm developed to predict the effect of missense changes on protein structure and function (PolyPhen-2) suggests that this variant is likely to be disruptive. In summary, the available evidence is currently insufficient to determine the role of this variant in disease. Therefore, it has been classified as a Variant of Uncertain Significance.

NM_004136.4(IREB2):c.983C>G (p.Pro328Arg)

Gene: IREB2 (iron responsive element binding protein 2; plus strand). Cytogenetic location: 15q25.1.
Variant type: single nucleotide variant.
Coding change: c.983C>G on transcript NM_004136.4 (MANE Select); coding-DNA position 983, C replaced by G.
Protein change: p.Pro328Arg; replaces proline 328 with arginine.
Molecular consequence: missense variant.
Genome position (GRCh38, 1-based): chr15:78,473,341, C>G. VCF-style: chr15-78473341-C-G. GRCh37 (hg19) VCF-style: chr15-78765683-C-G.
Other names: c.233C>G, p.Pro78Arg (NM_001320941.2); c.812C>G, p.Pro271Arg (NM_001320942.2, NM_001354994.2); c.983C>G, p.Pro328Arg (NM_001320943.2); short protein forms P271R, P328R, P78R.
Identifiers: ClinVar variation 4725473 (VCV004725473.1).